The following is an entry in ClinVar:

NM_000321.3(RB1):c.1997G>T (p.Cys666Phe)

Gene: RB1 (RB transcriptional corepressor 1; plus strand). Cytogenetic location: 13q14.2.
Variant type: single nucleotide variant.
Coding change: c.1997G>T on transcript NM_000321.3 (MANE Select); coding-DNA position 1997, G replaced by T.
Protein change: p.Cys666Phe; replaces cysteine 666 with phenylalanine.
Molecular consequence: missense variant.
Genome position (GRCh38, 1-based): chr13:48,459,724, G>T. VCF-style: chr13-48459724-G-T. GRCh37 (hg19) VCF-style: chr13-49033860-G-T.
Other names: short protein forms C666F.
Identifiers: ClinVar variation 1003209 (VCV001003209.12), dbSNP rs1160394123, ClinGen allele CA388166731.

ClinVar aggregate classification (germline): Uncertain significance. Review status: criteria provided, multiple submitters, no conflicts (2 of 4 stars). 3 submissions from 3 submitters: Uncertain significance (3). Last evaluated 2025-06-12.

Conditions:
Hereditary cancer-predisposing syndrome. Also called: Hereditary neoplastic syndrome; Neoplastic Syndromes, Hereditary; Tumor predisposition; Hereditary Cancer Syndrome. Identifiers: Orphanet 140162, MedGen C0027672, MeSH D009386, MONDO:0015356.
Retinoblastoma (RB1). Also called: RETINOBLASTOMA, SOMATIC. Identifiers: Orphanet 790, MedGen C0035335, MeSH D012175, MONDO:0008380, OMIM 180200, HP:0009919. Disease mechanism: loss of function. Inheritance: Both sporadic and heritable forms are tested..

Allele frequency attached by ClinVar (database versions not stated): gnomAD exomes below 0.00001; TOPMed below 0.00001; gnomAD 0.00001.
gnomAD v4.1: 6 of 1,613,816 alleles (0.00037%); highest among the groups gnomAD compares: Non-Finnish European, 0.00051%; no homozygotes.

Submissions (3):

Color Diagnostics, LLC DBA Color Health
Classification: Uncertain significance for Retinoblastoma. Last evaluated: 2025-06-12. Review status: criteria provided, single submitter. Criteria: ACMG Guidelines, 2015. Collection method: clinical testing. Allele origin: germline.
Comment: This missense variant replaces cysteine with phenylalanine at codon 666 of the RB1 protein. Computational prediction is inconclusive regarding the impact of this variant on protein structure and function. To our knowledge, functional studies have not been reported for this variant. This variant has not been reported in individuals affected with RB1-related disorders in the literature. This variant has not been identified in the general population by the Genome Aggregation Database (gnomAD). The available evidence is insufficient to determine the role of this variant in disease conclusively. Therefore, this variant is classified as a Variant of Uncertain Significance.

Ambry Genetics
Classification: Uncertain significance for Hereditary cancer-predisposing syndrome. Last evaluated: 2022-10-17. Review status: criteria provided, single submitter. Criteria: Ambry Variant Classification Scheme 2023. Collection method: clinical testing. Allele origin: germline.
Comment: The p.C666F variant (also known as c.1997G>T), located in coding exon 20 of the RB1 gene, results from a G to T substitution at nucleotide position 1997. The cysteine at codon 666 is replaced by phenylalanine, an amino acid with highly dissimilar properties. This alteration was identified in 1/1358 non-cancer control individuals and in 0/57 cases, in a study looking at cancer predisposition mutations in patients with cutaneous melanoma and a history of at least two additional non-cutaneous melanoma primary cancers (Pritchard AL et al. PLoS One, 2018 Apr;13:e0194098). This amino acid position is well conserved in available vertebrate species. In addition, this alteration is predicted to be deleterious by in silico analysis. Since supporting evidence is limited at this time, the clinical significance of this alteration remains unclear.

Labcorp Genetics (formerly Invitae), Labcorp
Classification: Uncertain significance for Retinoblastoma. Last evaluated: 2020-08-06. Review status: criteria provided, single submitter. Criteria: Invitae Variant Classification Sherloc (09022015). Collection method: clinical testing. Allele origin: germline.
Comment: In summary, the available evidence is currently insufficient to determine the role of this variant in disease. Therefore, it has been classified as a Variant of Uncertain Significance. Advanced modeling of protein sequence and biophysical properties (such as structural, functional, and spatial information, amino acid conservation, physicochemical variation, residue mobility, and thermodynamic stability) performed at Invitae indicates that this missense variant is expected to disrupt RB1 protein function. This variant has not been reported in the literature in individuals with RB1-related conditions. This variant is not present in population databases (ExAC no frequency). This sequence change replaces cysteine with phenylalanine at codon 666 of the RB1 protein (p.Cys666Phe). The cysteine residue is moderately conserved and there is a large physicochemical difference between cysteine and phenylalanine.

Literature cited by the submitters: PubMed 29641532 (cited by Ambry Genetics).